The following is an entry in ClinVar:

NM_001013703.4(EIF2AK4):c.1557T>A (p.Cys519Ter)

Gene: EIF2AK4 (eukaryotic translation initiation factor 2 alpha kinase 4; plus strand). Cytogenetic location: 15q15.1.
Variant type: single nucleotide variant.
Coding change: c.1557T>A on transcript NM_001013703.4 (MANE Select); coding-DNA position 1557, T replaced by A.
Protein change: p.Cys519Ter; replaces cysteine 519 with a stop codon.
Molecular consequence: nonsense.
Genome position (GRCh38, 1-based): chr15:39,972,911, T>A. VCF-style: chr15-39972911-T-A. GRCh37 (hg19) VCF-style: chr15-40265112-T-A.
Other names: short protein forms C519*.
Identifiers: ClinVar variation 2630064 (VCV002630064.1), dbSNP rs2504564381, ClinGen allele CA391681751.

ClinVar aggregate classification (germline): Likely pathogenic (1 of 4 stars; one submission).

Conditions:
EIF2AK4-related disorder. Also called: EIF2AK4-related condition.

Submission:

PreventionGenetics, part of Exact Sciences
Classification: Likely pathogenic for EIF2AK4-related condition. Last evaluated: 2022-12-19. Review status: criteria provided, single submitter. Criteria: ACMG Guidelines, 2015. Collection method: clinical testing. Allele origin: germline.
Comment: The EIF2AK4 c.1557T>A variant is predicted to result in premature protein termination (p.Cys519*). To our knowledge, this variant has not been reported in the literature or in a large population database, indicating this variant is rare. Nonsense variants in EIF2AK4 are expected to be pathogenic. This variant is interpreted as likely pathogenic.